The following is an entry in ClinVar:

NM_006912.6(RIT1):c.508T>C (p.Tyr170His)

Gene: RIT1 (Ras like without CAAX 1; minus strand). Cytogenetic location: 1q22.
Variant type: single nucleotide variant.
Coding change: c.508T>C on transcript NM_006912.6 (MANE Select); coding-DNA position 508, T replaced by C.
Protein change: p.Tyr170His; replaces tyrosine 170 with histidine.
Molecular consequence: missense variant.
Genome position (GRCh38, 1-based): chr1:155,900,540, A>G on the plus strand (T>C on the coding strand, the complement: RIT1 is on the minus strand). VCF-style: chr1-155900540-A-G. GRCh37 (hg19) VCF-style: chr1-155870331-A-G.
Other names: c.508T>C, p.Tyr170His (LRG_1372t1); c.400T>C, p.Tyr134His (NM_001256820.2); c.559T>C, p.Tyr187His (NM_001256821.2); short protein forms Y170H, Y134H, Y187H.
Identifiers: ClinVar variation 424234 (VCV000424234.2), dbSNP rs1064796871, ClinGen allele CA16616998.

ClinVar aggregate classification (germline): Uncertain significance (1 of 4 stars; one submission).

Submission:

GeneDx
Classification: Uncertain significance. Last evaluated: 2017-03-13. Review status: criteria provided, single submitter. Criteria: GeneDx Variant Classification (06012015). Collection method: clinical testing. Allele origin: germline. Affected: yes.
Comment: The Y170H variant has not been published as pathogenic or been reported as benign to our knowledge. It is not observed in large population cohorts (Lek et al., 2016; 1000 Genomes Consortium et al., 2015; Exome Variant Server). The Y170H variant is a non-conservative amino acid substitution, which is likely to impact secondary protein structure as these residues differ in polarity, charge, size and/or other properties. Moreover, this substitution occurs at a position that is conserved across species and in silico models predict this variant is damaging to the protein structure/function. Nonetheless, this variant lacks observation in a significant number of affected individuals, segregation data, and functional evidence, all of which would further clarify pathogenicity.